The following is an entry in ClinVar:

NM_006767.4(LZTR1):c.2273C>G (p.Ala758Gly)

Gene: LZTR1 (leucine zipper like post translational regulator 1; plus strand). Cytogenetic location: 22q11.21.
Variant type: single nucleotide variant.
Coding change: c.2273C>G on transcript NM_006767.4 (MANE Select); coding-DNA position 2273, C replaced by G.
Protein change: p.Ala758Gly; replaces alanine 758 with glycine.
Molecular consequence: missense variant.
Genome position (GRCh38, 1-based): chr22:20,996,749, C>G. VCF-style: chr22-20996749-C-G. GRCh37 (hg19) VCF-style: chr22-21351038-C-G.
Other names: short protein forms A758G.
Identifiers: ClinVar variation 2447765 (VCV002447765.2), dbSNP rs767013106, ClinGen allele CA410780835.

ClinVar aggregate classification (germline): Uncertain significance (1 of 4 stars; one submission).

Conditions:
Cardiovascular phenotype. Identifiers: MedGen CN230736.
Hereditary cancer-predisposing syndrome. Also called: Neoplastic Syndromes, Hereditary; Hereditary Cancer Syndrome; Tumor predisposition; Hereditary neoplastic syndrome. Identifiers: Orphanet 140162, MedGen C0027672, MeSH D009386, MONDO:0015356.

gnomAD v4.1: 2 of 1,613,502 alleles (0.00012%); highest among the groups gnomAD compares: Non-Finnish European, 0.00017%; no homozygotes.

Submission:

Ambry Genetics
Classification: Uncertain significance for Cardiovascular phenotype; Hereditary cancer-predisposing syndrome. Last evaluated: 2023-02-27. Review status: criteria provided, single submitter. Criteria: Ambry Variant Classification Scheme 2023. Collection method: clinical testing. Allele origin: germline.
Comment: The p.A758G variant (also known as c.2273C>G), located in coding exon 19 of the LZTR1 gene, results from a C to G substitution at nucleotide position 2273. The alanine at codon 758 is replaced by glycine, an amino acid with similar properties. This amino acid position is conserved. In addition, the in silico prediction for this alteration is inconclusive. Since supporting evidence is limited at this time, the clinical significance of this alteration remains unclear.